The following is an entry in ClinVar:

ClinVar aggregate classification (germline): Conflicting classifications of pathogenicity. Review status: criteria provided, conflicting classifications (1 of 4 stars). 6 submissions from 6 submitters: Uncertain significance (5); Likely benign (1). Last evaluated 2025-06-17.

Conditions:
Hereditary xanthinuria type 1 (XAN1). Identifiers: Orphanet 3467, Orphanet 93601, MedGen C0268118, MONDO:0010209, OMIM 278300.
XDH-related disorder. Also called: XDH-related condition.
Xanthinuria type II. Also called: Xanthine dehydrogenase and aldehyde oxidase combined deficiency of; XDH and AOX dual deficiency. Identifiers: Orphanet 3467, Orphanet 93602, MedGen C1863688, MONDO:0011346, OMIM 603592.

Allele frequency attached by ClinVar (database versions not stated): ExAC 0.00061; gnomAD exomes 0.00064; TOPMed 0.00077; gnomAD 0.00082 and 0.00083; ESP Exome Variant Server 0.00115.
gnomAD v4.1: 1,930 of 1,613,956 alleles (0.12%); highest among the groups gnomAD compares: Non-Finnish European, 0.16%; 3 homozygotes.

Submissions (6):

Women's Health and Genetics/Laboratory Corporation of America, LabCorp
Classification: Uncertain significance. Last evaluated: 2025-06-17. Review status: criteria provided, single submitter. Criteria: LabCorp Variant Classification Summary - May 2015. Collection method: clinical testing. Allele origin: germline.
Comment: Variant summary: XDH c.2362A>T (p.Ile788Phe) results in a non-conservative amino acid change in the encoded protein sequence. Algorithms developed to predict the effect of missense changes on protein structure and function are either unavailable or do not agree on the potential impact of this missense change. The variant allele was found at a frequency of 0.00064 in 251482 control chromosomes. This frequency is not significantly higher than estimated for a pathogenic variant in XDH causing Hereditary Xanthinuria Type 1, allowing no conclusion about variant significance. To our knowledge, no occurrence of c.2362A>T in individuals affected with Hereditary Xanthinuria Type 1 and no experimental evidence demonstrating its impact on protein function have been reported. ClinVar contains an entry for this variant (Variation ID: 650290). Based on the evidence outlined above, the variant was classified as uncertain significance.

Labcorp Genetics (formerly Invitae), Labcorp
Classification: Uncertain significance for Xanthinuria type II. Last evaluated: 2025-01-06. Review status: criteria provided, single submitter. Criteria: Invitae Variant Classification Sherloc (09022015). Collection method: clinical testing. Allele origin: germline.
Comment: This sequence change replaces isoleucine, which is neutral and non-polar, with phenylalanine, which is neutral and non-polar, at codon 788 of the XDH protein (p.Ile788Phe). This variant is present in population databases (rs141050887, gnomAD 0.1%), and has an allele count higher than expected for a pathogenic variant. This variant has not been reported in the literature in individuals affected with XDH-related conditions. ClinVar contains an entry for this variant (Variation ID: 650290). An algorithm developed to predict the effect of missense changes on protein structure and function (PolyPhen-2) suggests that this variant is likely to be disruptive. In summary, the available evidence is currently insufficient to determine the role of this variant in disease. Therefore, it has been classified as a Variant of Uncertain Significance.

Blueprint Genetics
Classification: Uncertain significance. Last evaluated: 2024-11-14. Review status: criteria provided, single submitter. Criteria: ACMG Guidelines, 2015. Collection method: clinical testing. Allele origin: germline.

Fulgent Genetics
Classification: Likely benign for Hereditary xanthinuria type 1. Last evaluated: 2024-03-11. Review status: criteria provided, single submitter. Criteria: ACMG Guidelines, 2015. Collection method: clinical testing. Allele origin: germline.

PreventionGenetics, part of Exact Sciences
Classification: Uncertain significance for XDH-related condition. Last evaluated: 2023-05-10. Review status: criteria provided, single submitter. Criteria: ACMG Guidelines, 2015. Collection method: clinical testing. Allele origin: germline.
Comment: The XDH c.2362A>T variant is predicted to result in the amino acid substitution p.Ile788Phe. This variant has not been reported in the literature in individuals with XDH-related disorders. This variant is reported in 0.13% of alleles in individuals of European (Non-Finnish) descent in gnomAD. At this time, the clinical significance of this variant is uncertain due to the absence of conclusive functional and genetic evidence.

Illumina Laboratory Services, Illumina
Classification: Uncertain significance for Hereditary xanthinuria type 1. Last evaluated: 2018-01-13. Review status: criteria provided, single submitter. Criteria: ICSL Variant Classification Criteria 13 December 2019. Collection method: clinical testing. Allele origin: germline.

NM_000379.4(XDH):c.2362A>T (p.Ile788Phe)

Gene: XDH (xanthine dehydrogenase; minus strand). Cytogenetic location: 2p23.1.
Variant type: single nucleotide variant.
Coding change: c.2362A>T on transcript NM_000379.4 (MANE Select); coding-DNA position 2362, A replaced by T.
Protein change: p.Ile788Phe; replaces isoleucine 788 with phenylalanine.
Molecular consequence: missense variant.
Genome position (GRCh38, 1-based): chr2:31,366,070, T>A on the plus strand (A>T on the coding strand, the complement: XDH is on the minus strand). VCF-style: chr2-31366070-T-A. GRCh37 (hg19) VCF-style: chr2-31588936-T-A.
Other names: short protein forms I788F.
Identifiers: ClinVar variation 650290 (VCV000650290.14), dbSNP rs141050887, ClinGen allele CA1598848.